The following is an entry in ClinVar:

NM_000179.3(MSH6):c.2366A>G (p.Asn789Ser)

Gene: MSH6 (mutS homolog 6; plus strand). Cytogenetic location: 2p16.3.
Variant type: single nucleotide variant.
Coding change: c.2366A>G on transcript NM_000179.3 (MANE Select); coding-DNA position 2366, A replaced by G.
Protein change: p.Asn789Ser; replaces asparagine 789 with serine.
Molecular consequence: missense variant.
Genome position (GRCh38, 1-based): chr2:47,800,349, A>G. VCF-style: chr2-47800349-A-G. GRCh37 (hg19) VCF-style: chr2-48027488-A-G.
Other names: c.2366A>G (NM_000179.2); c.1976A>G, p.Asn659Ser (NM_001281492.2); c.1460A>G, p.Asn487Ser (NM_001281493.2, NM_001281494.2); short protein forms N487S, N659S, N789S.
Identifiers: ClinVar variation 1519178 (VCV001519178.7), dbSNP rs2104403001, ClinGen allele CA346753649.

ClinVar aggregate classification (germline): Uncertain significance. Review status: criteria provided, multiple submitters, no conflicts (2 of 4 stars). 2 submissions from 2 submitters: Uncertain significance (2). Last evaluated 2025-11-24.

Conditions:
Hereditary nonpolyposis colorectal neoplasms. Identifiers: MedGen C0009405, MeSH D003123.
Hereditary cancer-predisposing syndrome. Also called: Hereditary neoplastic syndrome; Hereditary Cancer Syndrome; Tumor predisposition; Neoplastic Syndromes, Hereditary. Identifiers: Orphanet 140162, MedGen C0027672, MeSH D009386, MONDO:0015356.

Submissions (2):

Ambry Genetics
Classification: Uncertain significance for Hereditary cancer-predisposing syndrome. Last evaluated: 2025-11-24. Review status: criteria provided, single submitter. Criteria: Ambry Variant Classification Scheme 2023. Collection method: clinical testing. Allele origin: germline.
Comment: The p.N789S variant (also known as c.2366A>G), located in coding exon 4 of the MSH6 gene, results from an A to G substitution at nucleotide position 2366. The asparagine at codon 789 is replaced by serine, an amino acid with highly similar properties. This amino acid position is conserved. In addition, this alteration is predicted to be tolerated by in silico analysis. Based on the available evidence, the clinical significance of this variant remains unclear.

Labcorp Genetics (formerly Invitae), Labcorp
Classification: Uncertain significance for Hereditary nonpolyposis colorectal neoplasms. Last evaluated: 2021-11-12. Review status: criteria provided, single submitter. Criteria: Invitae Variant Classification Sherloc (09022015). Collection method: clinical testing. Allele origin: germline.
Comment: Advanced modeling of protein sequence and biophysical properties (such as structural, functional, and spatial information, amino acid conservation, physicochemical variation, residue mobility, and thermodynamic stability) performed at Invitae indicates that this missense variant is not expected to disrupt MSH6 protein function. In summary, the available evidence is currently insufficient to determine the role of this variant in disease. Therefore, it has been classified as a Variant of Uncertain Significance. Algorithms developed to predict the effect of sequence changes on RNA splicing suggest that this variant may create or strengthen a splice site. This variant has not been reported in the literature in individuals affected with MSH6-related conditions. This variant is not present in population databases (gnomAD no frequency). This sequence change replaces asparagine, which is neutral and polar, with serine, which is neutral and polar, at codon 789 of the MSH6 protein (p.Asn789Ser).